The following is an entry in ClinVar:

ClinVar aggregate classification (germline): Uncertain significance. Review status: criteria provided, multiple submitters, no conflicts (2 of 4 stars). 4 submissions from 4 submitters: Uncertain significance (4). Last evaluated 2025-12-26.

Conditions:
Inborn genetic diseases. Identifiers: MedGen C0950123, MeSH D030342.
Fetal akinesia deformation sequence 1 (FADS1). Also called: Pena-Shokeir syndrome type I; Fetal akinesia sequence. Identifiers: Orphanet 994, MedGen C1276035, MONDO:0100101, OMIM 208150, HP:0001989.
Congenital myasthenic syndrome 9. Also called: Myasthenic syndrome, congenital, 9, associated with acetylcholine receptor deficiency. Identifiers: Orphanet 590, MedGen C4225368, MONDO:0014587, OMIM 616325.

Allele frequency attached by ClinVar (database versions not stated): gnomAD 0.00010 and 0.00009; gnomAD exomes 0.00013 and 0.00016; ESP Exome Variant Server 0.00016; ExAC 0.00020.
gnomAD v4.1: 197 of 1,613,836 alleles (0.012%); highest among the groups gnomAD compares: Non-Finnish European, 0.014%; no homozygotes.

Submissions (4):

GeneDx
Classification: Uncertain significance. Last evaluated: 2025-12-26. Review status: criteria provided, single submitter. Criteria: GeneDx Variant Classification Process June 2021. Collection method: clinical testing. Allele origin: germline. Affected: yes.
Comment: Has not been previously published as pathogenic or benign to our knowledge; In silico analysis suggests that this missense variant does not alter protein structure/function; This variant is associated with the following publications: (PMID: 25537362)

Ambry Genetics
Classification: Uncertain significance for Inborn genetic diseases. Last evaluated: 2025-08-20. Review status: criteria provided, single submitter. Criteria: Ambry Variant Classification Scheme 2023. Collection method: clinical testing. Allele origin: germline.

Labcorp Genetics (formerly Invitae), Labcorp
Classification: Uncertain significance for Congenital myasthenic syndrome 9; Fetal akinesia deformation sequence 1. Last evaluated: 2022-08-07. Review status: criteria provided, single submitter. Criteria: Invitae Variant Classification Sherloc (09022015). Collection method: clinical testing. Allele origin: germline.
Comment: This sequence change replaces threonine, which is neutral and polar, with methionine, which is neutral and non-polar, at codon 354 of the MUSK protein (p.Thr354Met). This variant is present in population databases (rs200064775, gnomAD 0.03%). This variant has not been reported in the literature in individuals affected with MUSK-related conditions. ClinVar contains an entry for this variant (Variation ID: 574041). Advanced modeling of protein sequence and biophysical properties (such as structural, functional, and spatial information, amino acid conservation, physicochemical variation, residue mobility, and thermodynamic stability) performed at Invitae indicates that this missense variant is not expected to disrupt MUSK protein function. In summary, the available evidence is currently insufficient to determine the role of this variant in disease. Therefore, it has been classified as a Variant of Uncertain Significance.

Revvity Omics, Revvity
Classification: Uncertain significance. Last evaluated: 2019-02-06. Review status: criteria provided, single submitter. Criteria: ACMG Guidelines, 2015. Collection method: clinical testing. Allele origin: germline.

NM_005592.4(MUSK):c.1061C>T (p.Thr354Met)

Gene: MUSK (muscle associated receptor tyrosine kinase; plus strand). Cytogenetic location: 9q31.3.
Variant type: single nucleotide variant.
Coding change: c.1061C>T on transcript NM_005592.4 (MANE Select); coding-DNA position 1061, C replaced by T.
Protein change: p.Thr354Met; replaces threonine 354 with methionine.
Molecular consequence: missense variant. On other transcripts: 5 prime UTR variant (1), intron variant (2).
Genome position (GRCh38, 1-based): chr9:110,767,960, C>T. VCF-style: chr9-110767960-C-T. GRCh37 (hg19) VCF-style: chr9-113530240-C-T.
Other names: c.-176C>T (NM_001369398.1); c.950+5752C>T (NM_001166280.2); c.920+5752C>T (NM_001166281.2); short protein forms T354M.
Identifiers: ClinVar variation 574041 (VCV000574041.11), dbSNP rs200064775, ClinGen allele CA5184269.
Genomic context (GRCh38, chr9:110,767,960, plus strand): 5'-TTGTTTTTCTCAACACCTCCTATGCGGACCCTGAGGAGGCCCAAGAGCTACTGGTCCACA[C>T]GGCCTGGAATGAACTGAAAGTAGTGAGCCCAGTCTGCCGGCCAGCTGCTGAGGCTTTGTT-3'
Protein context (NP_005583.1, residues 344-364): PEEAQELLVH[Thr354Met]AWNELKVVSP